The following is an entry in ClinVar:

NM_004385.5(VCAN):c.8176T>G (p.Ser2726Ala)

Genes: VCAN (versican; plus strand), VCAN-AS1 (VCAN antisense RNA 1; minus strand). Cytogenetic location: 5q14.3.
Variant type: single nucleotide variant.
Coding change: c.8176T>G on transcript NM_004385.5 (MANE Select); coding-DNA position 8176, T replaced by G.
Protein change: p.Ser2726Ala; replaces serine 2726 with alanine.
Molecular consequence: missense variant. On other transcripts: intron variant (2).
Genome position (GRCh38, 1-based): chr5:83,541,179, T>G. VCF-style: chr5-83541179-T-G. GRCh37 (hg19) VCF-style: chr5-82836998-T-G.
Other names: c.5215T>G, p.Ser1739Ala (NM_001164097.2); c.4004-4358T>G (NM_001164098.2); c.1043-4358T>G (NM_001126336.3); short protein forms S2726A, S1739A.
Identifiers: ClinVar variation 2001212 (VCV002001212.4), dbSNP rs1746971160, ClinGen allele CA360316342.

ClinVar aggregate classification (germline): Uncertain significance (1 of 4 stars; one submission).

Submission:

Labcorp Genetics (formerly Invitae), Labcorp
Classification: Uncertain significance. Last evaluated: 2022-05-30. Review status: criteria provided, single submitter. Criteria: Invitae Variant Classification Sherloc (09022015). Collection method: clinical testing. Allele origin: germline.
Comment: This sequence change replaces serine, which is neutral and polar, with alanine, which is neutral and non-polar, at codon 2726 of the VCAN protein (p.Ser2726Ala). This variant is not present in population databases (gnomAD no frequency). This variant has not been reported in the literature in individuals affected with VCAN-related conditions. Algorithms developed to predict the effect of missense changes on protein structure and function (SIFT, PolyPhen-2, Align-GVGD) all suggest that this variant is likely to be disruptive. In summary, the available evidence is currently insufficient to determine the role of this variant in disease. Therefore, it has been classified as a Variant of Uncertain Significance.